The following is an entry in ClinVar:

NM_000059.4(BRCA2):c.4442A>T (p.Glu1481Val)

Gene: BRCA2 (BRCA2 DNA repair associated; plus strand). Cytogenetic location: 13q13.1.
Variant type: single nucleotide variant.
Coding change: c.4442A>T on transcript NM_000059.4 (MANE Select); coding-DNA position 4442, A replaced by T.
Protein change: p.Glu1481Val; replaces glutamic acid 1481 with valine.
Molecular consequence: missense variant.
Genome position (GRCh38, 1-based): chr13:32,338,797, A>T. VCF-style: chr13-32338797-A-T. GRCh37 (hg19) VCF-style: chr13-32912934-A-T.
Other names: short protein forms E1481V.
Identifiers: ClinVar variation 640471 (VCV000640471.10), dbSNP rs1593902385, ClinGen allele CA387781343.

ClinVar aggregate classification (germline): Conflicting classifications of pathogenicity. Review status: criteria provided, conflicting classifications (1 of 4 stars). 2 submissions from 2 submitters: Uncertain significance (1); Likely benign (1). Last evaluated 2023-03-23.

Conditions:
Hereditary breast ovarian cancer syndrome. Also called: Hereditary breast and ovarian cancer; Hereditary breast and ovarian cancer syndrome (HBOC); BRCA1- and BRCA2-Associated Hereditary Breast and Ovarian Cancer; Hereditary breast and ovarian cancer syndrome; Hereditary breast and/or ovarian cancer syndrome; Breast and ovarian cancer. Identifiers: Orphanet 145, MedGen C0677776, MeSH D061325, MONDO:0003582. Disease mechanism: loss of function.
Hereditary cancer-predisposing syndrome. Also called: Neoplastic Syndromes, Hereditary; Tumor predisposition; Hereditary Cancer Syndrome; Hereditary neoplastic syndrome. Identifiers: Orphanet 140162, MedGen C0027672, MeSH D009386, MONDO:0015356.

Submissions (2):

University of Washington Department of Laboratory Medicine, University of Washington
Classification: Likely benign for Hereditary cancer-predisposing syndrome. Last evaluated: 2023-03-23. Review status: criteria provided, single submitter. Criteria: Dines et al. (Genet Med. 2020). Collection method: curation. Allele origin: germline.
Comment: Missense variant in a coldspot region where missense variants are very unlikely to be pathogenic (PMID:31911673).

BRCA2 exon 11 coldspot. Reclassification based on statistical prior probability.

Labcorp Genetics (formerly Invitae), Labcorp
Classification: Uncertain significance for Hereditary breast ovarian cancer syndrome. Last evaluated: 2021-07-16. Review status: criteria provided, single submitter. Criteria: Invitae Variant Classification Sherloc (09022015). Collection method: clinical testing. Allele origin: germline.
Comment: This sequence change replaces glutamic acid with valine at codon 1481 of the BRCA2 protein (p.Glu1481Val). The glutamic acid residue is weakly conserved and there is a moderate physicochemical difference between glutamic acid and valine. In summary, the available evidence is currently insufficient to determine the role of this variant in disease. Therefore, it has been classified as a Variant of Uncertain Significance. Algorithms developed to predict the effect of missense changes on protein structure and function (SIFT, PolyPhen-2, Align-GVGD) all suggest that this variant is likely to be tolerated, but these predictions have not been confirmed by published functional studies and their clinical significance is uncertain. This variant has not been reported in the literature in individuals with BRCA2-related disease. This variant is not present in population databases (ExAC no frequency).